The following is an entry in ClinVar:

ClinVar aggregate classification (germline): Uncertain significance. Review status: criteria provided, multiple submitters, no conflicts (2 of 4 stars). 2 submissions from 2 submitters: Uncertain significance (2). Last evaluated 2025-02-01.

Conditions:
Inborn genetic diseases. Identifiers: MedGen C0950123, MeSH D030342.

Allele frequency attached by ClinVar (database versions not stated): gnomAD exomes below 0.00001; TOPMed below 0.00001; ExAC 0.00001; gnomAD 0.00001.
gnomAD v4.1: 3 of 1,608,088 alleles (0.00019%); highest among the groups gnomAD compares: Non-Finnish European, 0.00026%; no homozygotes.

Submissions (2):

Ambry Genetics
Classification: Uncertain significance for Inborn genetic diseases. Last evaluated: 2025-02-01. Review status: criteria provided, single submitter. Criteria: Ambry Variant Classification Scheme 2023. Collection method: clinical testing. Allele origin: germline.

Labcorp Genetics (formerly Invitae), Labcorp
Classification: Uncertain significance. Last evaluated: 2022-06-28. Review status: criteria provided, single submitter. Criteria: Invitae Variant Classification Sherloc (09022015). Collection method: clinical testing. Allele origin: germline.
Comment: This variant is present in population databases (rs776843928, gnomAD 0.0009%). This sequence change replaces aspartic acid, which is acidic and polar, with alanine, which is neutral and non-polar, at codon 159 of the PEX3 protein (p.Asp159Ala). This variant has not been reported in the literature in individuals affected with PEX3-related conditions. Algorithms developed to predict the effect of missense changes on protein structure and function are either unavailable or do not agree on the potential impact of this missense change (SIFT: "Deleterious"; PolyPhen-2: "Benign"; Align-GVGD: "Class C0"). In summary, the available evidence is currently insufficient to determine the role of this variant in disease. Therefore, it has been classified as a Variant of Uncertain Significance.

NM_003630.3(PEX3):c.476A>C (p.Asp159Ala)

Gene: PEX3 (peroxisomal biogenesis factor 3; plus strand). Cytogenetic location: 6q24.2.
Variant type: single nucleotide variant.
Coding change: c.476A>C on transcript NM_003630.3 (MANE Select); coding-DNA position 476, A replaced by C.
Protein change: p.Asp159Ala; replaces aspartic acid 159 with alanine.
Molecular consequence: missense variant.
Genome position (GRCh38, 1-based): chr6:143,471,402, A>C. VCF-style: chr6-143471402-A-C. GRCh37 (hg19) VCF-style: chr6-143792539-A-C.
Other names: c.476A>C (NM_003630.2); short protein forms D159A.
Identifiers: ClinVar variation 1950335 (VCV001950335.5), dbSNP rs776843928, ClinGen allele CA4029591.